The following is an entry in ClinVar:

ClinVar aggregate classification (germline): Uncertain significance (1 of 4 stars; one submission).

Conditions:
Spastic paraplegia. Identifiers: MedGen C0037772, HP:0001258.

Allele frequency attached by ClinVar (database versions not stated): gnomAD exomes below 0.00001; ExAC 0.00001; gnomAD 0.00001.
gnomAD v4.1: 2 of 1,613,214 alleles (0.00012%); highest among the groups gnomAD compares: African/African-American, 0.0013%; no homozygotes.

Submission:

Labcorp Genetics (formerly Invitae), Labcorp
Classification: Uncertain significance for Spastic paraplegia. Last evaluated: 2022-05-30. Review status: criteria provided, single submitter. Criteria: Invitae Variant Classification Sherloc (09022015). Collection method: clinical testing. Allele origin: germline.
Comment: In summary, the available evidence is currently insufficient to determine the role of this variant in disease. Therefore, it has been classified as a Variant of Uncertain Significance. This sequence change replaces serine, which is neutral and polar, with glycine, which is neutral and non-polar, at codon 812 of the KIF5A protein (p.Ser812Gly). This variant is present in population databases (rs772785144, gnomAD 0.0009%). This variant has not been reported in the literature in individuals affected with KIF5A-related conditions. Algorithms developed to predict the effect of missense changes on protein structure and function (SIFT, PolyPhen-2, Align-GVGD) all suggest that this variant is likely to be tolerated.

NM_004984.4(KIF5A):c.2434A>G (p.Ser812Gly)

Gene: KIF5A (kinesin family member 5A; plus strand). Cytogenetic location: 12q13.3.
Variant type: single nucleotide variant.
Coding change: c.2434A>G on transcript NM_004984.4 (MANE Select); coding-DNA position 2434, A replaced by G.
Protein change: p.Ser812Gly; replaces serine 812 with glycine.
Molecular consequence: missense variant.
Genome position (GRCh38, 1-based): chr12:57,578,238, A>G. VCF-style: chr12-57578238-A-G. GRCh37 (hg19) VCF-style: chr12-57972021-A-G.
Other names: c.2167A>G, p.Ser723Gly (NM_001354705.2); short protein forms S723G, S812G.
Identifiers: ClinVar variation 2095319 (VCV002095319.4), dbSNP rs772785144, ClinGen allele CA6653128.
Genomic context (GRCh38, chr12:57,578,238, plus strand): 5'-GTCTTGGTGGGACCTGTTTGGCCTCAGGACAGCCACGTCTTTCCTTCTATCTGTTCTCAG[A>G]GTGCAGAAATGGAGCCCGAAGACAGTGGGGGGATTCACTCCCAAAAGCAGAAGATTTCCT-3'
Protein context (NP_004975.2, residues 802-822): VQDVTTRVKK[Ser812Gly]AEMEPEDSGG